The following is an entry in ClinVar:

ClinVar aggregate classification (germline): Likely benign (1 of 4 stars; one submission).

Allele frequency attached by ClinVar (database versions not stated): 1000 Genomes Project 30x 0.00047; 1000 Genomes Project 0.00060; ExAC 0.00191; gnomAD 0.00296; TOPMed 0.00309; ESP Exome Variant Server 0.00416; gnomAD exomes 0.00565.

Submission:

CeGaT Center for Human Genetics Tuebingen
Classification: Likely benign. Last evaluated: 2026-08-01. Review status: criteria provided, single submitter. Criteria: CeGaT Center For Human Genetics Tuebingen Variant Classification Criteria Version 2. Collection method: clinical testing. Allele origin: germline. Affected: yes. Observed: 8 variant alleles.
Comment: FBRSL1: BP4, BP7, BS2

NM_001367871.1(FBRSL1):c.1656C>T (p.His552=)

Gene: FBRSL1 (fibrosin like 1; plus strand). Cytogenetic location: 12q24.33.
Variant type: single nucleotide variant.
Coding change: c.1656C>T on transcript NM_001367871.1 (MANE Select); coding-DNA position 1656, C replaced by T.
Protein change: p.His552=; no amino-acid change (histidine 552 retained).
Molecular consequence: synonymous variant. On other transcripts: intron variant (1).
Genome position (GRCh38, 1-based): chr12:132,574,519, C>T. VCF-style: chr12-132574519-C-T. GRCh37 (hg19) VCF-style: chr12-133151105-C-T.
Other names: c.1785C>T, p.His595= (NM_001142641.2); c.1710C>T, p.His570= (NM_001382739.1); c.1213+3979C>T (NM_001382740.1).
Identifiers: ClinVar variation 2643649 (VCV002643649.24), dbSNP rs370695435, ClinGen allele CA6891045.
Genomic context (GRCh38, chr12:132,574,519, plus strand): 5'-ACCAGCCCCACTGAGCGCTTCCATCCTGTCGCAGAAGCCGGGGAGGTGGTGTGCCGTGCA[C>T]GTGCAGATCGCCTGGCAGATCTACCGTCACCAGCAGAAGATAAAGGTGAGACCACCTGGG-3'
Protein context (NP_001354800.1, residues 542-562): VKKPGRWCAV[His552=]VQIAWQIYRH